The following is an entry in ClinVar:

ClinVar aggregate classification (germline): Uncertain significance (1 of 4 stars; one submission).

Conditions:
Inborn genetic diseases. Identifiers: MedGen C0950123, MeSH D030342.

Submission:

Ambry Genetics
Classification: Uncertain significance for Inborn genetic diseases. Last evaluated: 2026-04-24. Review status: criteria provided, single submitter. Criteria: Ambry Variant Classification Scheme 2023. Collection method: clinical testing. Allele origin: germline.
Comment: The c.-4A>G variant is located in the 5' untranslated region (5&rsquo; UTR) of the DDX41 gene. This variant results from an A to G substitution 4 bases upstream from the first translated codon. This nucleotide position is not well conserved in available vertebrate species. Based on the available evidence, the clinical significance of this variant remains unclear.

NM_016222.4(DDX41):c.-4A>G

Gene: DDX41 (DEAD-box helicase 41; minus strand). Cytogenetic location: 5q35.3.
Variant type: single nucleotide variant.
Coding change: c.-4A>G on transcript NM_016222.4 (MANE Select); 4 bases upstream of the start codon, A replaced by G.
Molecular consequence: 5 prime UTR variant.
Genome position (GRCh38, 1-based): chr5:177,516,949, T>C on the plus strand (A>G on the coding strand, the complement: DDX41 is on the minus strand). VCF-style: chr5-177516949-T-C. GRCh37 (hg19) VCF-style: chr5-176943950-T-C.
Other names: c.-659A>G (NM_001321732.2); c.-451A>G (NM_001321830.2).
Identifiers: ClinVar variation 4869648 (VCV004869648.1).
Genomic context (GRCh38, chr5:177,516,949, plus strand): 5'-CACACGCGCGGGGTCTCGCCTCTCTCCTACCTTCCGTTCGGGTTCCGACTCCTCCATTCT[T>C]TGCTGCACGCATGCGCGCCACGGCGAAACCCCGCCTCATCCTTGCGTGAGACCCAATCCG-3'